The following is an entry in ClinVar:

ClinVar aggregate classification (germline): Benign/Likely benign. Review status: criteria provided, multiple submitters, no conflicts (2 of 4 stars). 4 submissions from 4 submitters: Benign (1); Likely benign (3). Last evaluated 2025-11-10.

Conditions:
Hereditary cancer-predisposing syndrome. Also called: Neoplastic Syndromes, Hereditary; Hereditary Cancer Syndrome; Tumor predisposition; Hereditary neoplastic syndrome. Identifiers: Orphanet 140162, MedGen C0027672, MeSH D009386, MONDO:0015356.
Ataxia-telangiectasia syndrome (AT). Also called: LOUIS-BAR SYNDROME; Cerebello-oculocutaneous telangiectasia; Immunodeficiency with ataxia telangiectasia; Ataxia-telangiectasia, complementation group D; AT, COMPLEMENTATION GROUP C; Ataxia-telangiectasia, complementation group E. Identifiers: Orphanet 100, MedGen C0004135, MONDO:0008840, OMIM 208900.
Familial cancer of breast. Also called: Hereditary breast cancer; BREAST CANCER, FAMILIAL; hereditary breast carcinoma. Identifiers: Orphanet 227535, MedGen C0346153, MONDO:0016419, OMIM 114480. Disease mechanism: loss of function.

Allele frequency attached by ClinVar (database versions not stated): gnomAD exomes below 0.00001.
gnomAD v4.1: 1 of 1,614,048 alleles (0.000062%); highest among the groups gnomAD compares: Non-Finnish European, 0.000085%; no homozygotes.

Submissions (4):

Labcorp Genetics (formerly Invitae), Labcorp
Classification: Likely benign for Ataxia-telangiectasia syndrome. Last evaluated: 2025-11-10. Review status: criteria provided, single submitter. Criteria: Invitae Variant Classification Sherloc (09022015). Collection method: clinical testing. Allele origin: germline.

Myriad Genetics, Inc.
Classification: Benign for Familial cancer of breast. Last evaluated: 2024-06-12. Review status: criteria provided, single submitter. Criteria: Myriad Autosomal Dominant, Autosomal Recessive and X-Linked Classification Criteria (2023). Collection method: clinical testing. Allele origin: unknown.
Comment: This variant is considered benign. This variant is a silent/synonymous amino acid change and it is not expected to impact splicing.

Color Diagnostics, LLC DBA Color Health
Classification: Likely benign for Hereditary cancer-predisposing syndrome. Last evaluated: 2019-10-22. Review status: criteria provided, single submitter. Criteria: ACMG Guidelines, 2015. Collection method: clinical testing. Allele origin: germline.

Ambry Genetics
Classification: Likely benign for Hereditary cancer-predisposing syndrome. Last evaluated: 2017-09-12. Review status: criteria provided, single submitter. Criteria: Ambry Variant Classification Scheme 2023. Collection method: clinical testing. Allele origin: germline.

NM_000051.4(ATM):c.6918T>C (p.Ser2306=)

Genes: ATM (ATM serine/threonine kinase; plus strand), C11orf65 (chromosome 11 open reading frame 65; minus strand). Cytogenetic location: 11q22.3.
Variant type: single nucleotide variant.
Coding change: c.6918T>C on transcript NM_000051.4 (MANE Select); coding-DNA position 6918, T replaced by C.
Protein change: p.Ser2306=; no amino-acid change (serine 2306 retained).
Molecular consequence: synonymous variant. On other transcripts: intron variant (2).
Genome position (GRCh38, 1-based): chr11:108,326,168, T>C. VCF-style: chr11-108326168-T-C. GRCh37 (hg19) VCF-style: chr11-108196895-T-C.
Other names: c.6918T>C, p.Ser2306= (NM_001351834.2); c.641-17097A>G (NM_001330368.2); c.*38+9052A>G (NM_001351110.2).
Identifiers: ClinVar variation 482755 (VCV000482755.19), dbSNP rs1555119959, ClinGen allele CA476676363.
Genomic context (GRCh38, chr11:108,326,168, plus strand): 5'-TGGAGTCTCTGAGTGGCAGCTGGAAGAAGCACAAGTATTCTGGGCAAAAAAGGAGCAGAG[T>C]CTTGCCCTGAGTATTCTCAAGCAAATGATCAAGAAGTTGGATGCCAGCTGTGCAGCGGTT-3'
Protein context (NP_000042.3, residues 2296-2316): AQVFWAKKEQ[Ser2306=]LALSILKQMI